The following is an entry in ClinVar:

NM_198317.3(KLHL17):c.1668C>T (p.Ala556=)

Gene: KLHL17 (kelch like family member 17; plus strand). Cytogenetic location: 1p36.33.
Variant type: single nucleotide variant.
Coding change: c.1668C>T on transcript NM_198317.3 (MANE Select); coding-DNA position 1668, C replaced by T.
Protein change: p.Ala556=; no amino-acid change (alanine 556 retained).
Molecular consequence: synonymous variant.
Genome position (GRCh38, 1-based): chr1:964,498, C>T. VCF-style: chr1-964498-C-T. GRCh37 (hg19) VCF-style: chr1-899878-C-T.
Identifiers: ClinVar variation 5038503 (VCV005038503.1).

ClinVar aggregate classification (germline): Likely benign (1 of 4 stars; one submission).

Submission:

CeGaT Center for Human Genetics Tuebingen
Classification: Likely benign. Last evaluated: 2026-07-01. Review status: criteria provided, single submitter. Criteria: CeGaT Center For Human Genetics Tuebingen Variant Classification Criteria Version 2. Collection method: clinical testing. Allele origin: germline. Affected: yes. Observed: 1 variant allele.
Comment: KLHL17: BP4, BP7